The following is an entry in ClinVar:

ClinVar aggregate classification (germline): Pathogenic (1 of 4 stars; one submission).

Conditions:
Neurofibromatosis, type 1 (NF1). Also called: NEUROFIBROMATOSIS, TYPE I, SOMATIC; Peripheral type neurofibromatosis; Neurofibromatosis, type I; VON RECKLINGHAUSEN DISEASE. Identifiers: Orphanet 636, MedGen C0027831, MONDO:0018975, OMIM 162200. Disease mechanism: loss of function.

Submission:

Labcorp Genetics (formerly Invitae), Labcorp
Classification: Pathogenic for Neurofibromatosis, type 1. Last evaluated: 2021-01-29. Review status: criteria provided, single submitter. Criteria: Invitae Variant Classification Sherloc (09022015). Collection method: clinical testing. Allele origin: germline.
Comment: For these reasons, this variant has been classified as Pathogenic. This variant has not been reported in the literature in individuals with NF1-related conditions. This variant is not present in population databases (ExAC no frequency). This sequence change creates a premature translational stop signal (p.Lys2468Argfs*34) in the NF1 gene. It is expected to result in an absent or disrupted protein product. Loss-of-function variants in NF1 are known to be pathogenic (PMID: 10712197, 23913538).

Literature cited by the submitters: PubMed 10712197; PubMed 23913538.

NM_001042492.3(NF1):c.7466del (p.Lys2489fs)

Gene: NF1 (neurofibromin 1; plus strand). Cytogenetic location: 17q11.2.
Variant type: Deletion.
Coding change: c.7466del on transcript NM_001042492.3 (MANE Select); coding-DNA position 7466, one base deleted (A; older notation c.7466delA).
Protein change: p.Lys2489fs; shifts the reading frame from lysine 2489.
Molecular consequence: frameshift variant.
Genome position (GRCh38, 1-based): chr17:31,352,265, A deleted; the last of 3 consecutive A bases (chr17:31,352,263-31,352,265); deleting any one gives the same sequence. VCF-style (leftmost placement, unchanged base first): chr17-31352262-TA-T. GRCh37 (hg19) VCF-style: chr17-29679280-TA-T.
Other names: c.7403delA, p.Lys2468Argfs (NM_000267.4); short protein forms K2489fs, K2468fs.
Identifiers: ClinVar variation 1402064 (VCV001402064.6), dbSNP rs2151576904, ClinGen allele CA2573153844.
Genomic context (GRCh38, chr17:31,352,262, plus strand): 5'-TGGTTGTATTTGTCACCATATTAATTGATTTTTCTCTATTGTTTTCATCTTTCAGGACAC[TA>T]AAGGAGACTCAGCCATGGTCCTCTCCCAAAGGTTCTGAAGGATACCTTGCAGCCACCTAT-3'